The following is an entry in ClinVar:

NM_001199753.2(CPT1C):c.598G>A (p.Asp200Asn)

Gene: CPT1C (carnitine palmitoyltransferase 1C; plus strand). Cytogenetic location: 19q13.33.
Variant type: single nucleotide variant.
Coding change: c.598G>A on transcript NM_001199753.2 (MANE Select); coding-DNA position 598, G replaced by A.
Protein change: p.Asp200Asn; replaces aspartic acid 200 with asparagine.
Molecular consequence: missense variant. On other transcripts: non-coding transcript variant (1).
Genome position (GRCh38, 1-based): chr19:49,701,539, G>A. VCF-style: chr19-49701539-G-A. GRCh37 (hg19) VCF-style: chr19-50204796-G-A.
Other names: c.598G>A, p.Asp200Asn (NM_001136052.3, NM_001199752.3, NM_001378482.1 and 7 more transcripts); short protein forms D200N.
Identifiers: ClinVar variation 3008997 (VCV003008997.20), dbSNP rs759904221, ClinGen allele CA9581872.

ClinVar aggregate classification (germline): Conflicting classifications of pathogenicity. Review status: criteria provided, conflicting classifications (1 of 4 stars). 2 submissions from 2 submitters: Uncertain significance (1); Likely benign (1). Last evaluated 2025-10-01.

Conditions:
Hereditary spastic paraplegia 73. Also called: Spastic paraplegia 73, autosomal dominant. Identifiers: Orphanet 444099, MedGen C5568981, MONDO:0014568, OMIM 616282.

Allele frequency attached by ClinVar (database versions not stated): ExAC 0.00001; gnomAD 0.00001.
gnomAD v4.1: 67 of 1,612,296 alleles (0.0042%); highest among the groups gnomAD compares: Middle Eastern, 0.15%; no homozygotes.

Submissions (2):

Labcorp Genetics (formerly Invitae), Labcorp
Classification: Uncertain significance for Hereditary spastic paraplegia 73. Last evaluated: 2025-10-01. Review status: criteria provided, single submitter. Criteria: Invitae Variant Classification Sherloc (09022015). Collection method: clinical testing. Allele origin: germline.
Comment: This sequence change replaces aspartic acid, which is acidic and polar, with asparagine, which is neutral and polar, at codon 200 of the CPT1C protein (p.Asp200Asn). The frequency data for this variant in the population databases is considered unreliable, as metrics indicate poor data quality at this position in the gnomAD database. This variant has not been reported in the literature in individuals affected with CPT1C-related conditions. ClinVar contains an entry for this variant (Variation ID: 3008997). Invitae Evidence Modeling of protein sequence and biophysical properties (such as structural, functional, and spatial information, amino acid conservation, physicochemical variation, residue mobility, and thermodynamic stability) indicates that this missense variant is not expected to disrupt CPT1C protein function with a negative predictive value of 80%. In summary, the available evidence is currently insufficient to determine the role of this variant in disease. Therefore, it has been classified as a Variant of Uncertain Significance.

CeGaT Center for Human Genetics Tuebingen
Classification: Likely benign. Last evaluated: 2024-07-01. Review status: criteria provided, single submitter. Criteria: CeGaT Center For Human Genetics Tuebingen Variant Classification Criteria Version 2. Collection method: clinical testing. Allele origin: germline. Affected: yes. Observed: 1 variant allele.
Comment: CPT1C: BP4, BS2